The following is an entry in ClinVar:

ClinVar aggregate classification (germline): Uncertain significance (1 of 4 stars; one submission).

Submission:

Labcorp Genetics (formerly Invitae), Labcorp
Classification: Uncertain significance. Last evaluated: 2024-05-21. Review status: criteria provided, single submitter. Criteria: Invitae Variant Classification Sherloc (09022015). Collection method: clinical testing. Allele origin: germline.
Comment: This sequence change replaces leucine, which is neutral and non-polar, with phenylalanine, which is neutral and non-polar, at codon 7 of the CTNNB1 protein (p.Leu7Phe). This variant is not present in population databases (gnomAD no frequency). This variant has not been reported in the literature in individuals affected with CTNNB1-related conditions. An algorithm developed to predict the effect of missense changes on protein structure and function (PolyPhen-2) suggests that this variant is likely to be tolerated. In summary, the available evidence is currently insufficient to determine the role of this variant in disease. Therefore, it has been classified as a Variant of Uncertain Significance.

NM_001904.4(CTNNB1):c.21G>T (p.Leu7Phe)

Genes: CTNNB1 (catenin beta 1; plus strand), LOC126806658 (BRD4-independent group 4 enhancer GRCh37_chr3:41265899-41267098; plus strand). Cytogenetic location: 3p22.1.
Variant type: single nucleotide variant.
Coding change: c.21G>T on transcript NM_001904.4 (MANE Select); coding-DNA position 21, G replaced by T.
Protein change: p.Leu7Phe; replaces leucine 7 with phenylalanine.
Molecular consequence: missense variant. On other transcripts: 5 prime UTR variant (1).
Genome position (GRCh38, 1-based): chr3:41,224,533, G>T. VCF-style: chr3-41224533-G-T. GRCh37 (hg19) VCF-style: chr3-41266024-G-T.
Other names: c.21G>T, p.Leu7Phe (NM_001098209.2, NM_001098210.2); c.-1G>T (NM_001330729.2); short protein forms L7F.
Identifiers: ClinVar variation 3654074 (VCV003654074.2).